The following is an entry in ClinVar:

ClinVar aggregate classification (germline): Uncertain significance. Review status: criteria provided, multiple submitters, no conflicts (2 of 4 stars). 2 submissions from 2 submitters: Uncertain significance (2). Last evaluated 2025-07-06.

Conditions:
Hereditary cancer-predisposing syndrome. Also called: Neoplastic Syndromes, Hereditary; Hereditary Cancer Syndrome; Hereditary neoplastic syndrome; Tumor predisposition. Identifiers: Orphanet 140162, MedGen C0027672, MeSH D009386, MONDO:0015356.
Cardiovascular phenotype. Identifiers: MedGen CN230736.

gnomAD v4.1: 1 of 1,613,506 alleles (0.000062%); highest among the groups gnomAD compares: Non-Finnish European, 0.000085%; no homozygotes.

Submissions (2):

Labcorp Genetics (formerly Invitae), Labcorp
Classification: Uncertain significance. Last evaluated: 2025-07-06. Review status: criteria provided, single submitter. Criteria: Invitae Variant Classification Sherloc (09022015). Collection method: clinical testing. Allele origin: germline.
Comment: This sequence change replaces tyrosine, which is neutral and polar, with cysteine, which is neutral and slightly polar, at codon 748 of the LZTR1 protein (p.Tyr748Cys). This variant is not present in population databases (gnomAD no frequency). This variant has not been reported in the literature in individuals affected with LZTR1-related conditions. ClinVar contains an entry for this variant (Variation ID: 2875961). Invitae Evidence Modeling of protein sequence and biophysical properties (such as structural, functional, and spatial information, amino acid conservation, physicochemical variation, residue mobility, and thermodynamic stability) indicates that this missense variant is not expected to disrupt LZTR1 protein function with a negative predictive value of 80%. In summary, the available evidence is currently insufficient to determine the role of this variant in disease. Therefore, it has been classified as a Variant of Uncertain Significance.

Ambry Genetics
Classification: Uncertain significance for Cardiovascular phenotype; Hereditary cancer-predisposing syndrome. Last evaluated: 2024-10-12. Review status: criteria provided, single submitter. Criteria: Ambry Variant Classification Scheme 2023. Collection method: clinical testing. Allele origin: germline.
Comment: The p.Y748C variant (also known as c.2243A>G), located in coding exon 19 of the LZTR1 gene, results from an A to G substitution at nucleotide position 2243. The tyrosine at codon 748 is replaced by cysteine, an amino acid with highly dissimilar properties. This amino acid position is conserved. In addition, this alteration is predicted to be deleterious by in silico analysis. Based on the available evidence, the clinical significance of this variant remains unclear.

NM_006767.4(LZTR1):c.2243A>G (p.Tyr748Cys)

Gene: LZTR1 (leucine zipper like post translational regulator 1; plus strand). Cytogenetic location: 22q11.21.
Variant type: single nucleotide variant.
Coding change: c.2243A>G on transcript NM_006767.4 (MANE Select); coding-DNA position 2243, A replaced by G.
Protein change: p.Tyr748Cys; replaces tyrosine 748 with cysteine.
Molecular consequence: missense variant.
Genome position (GRCh38, 1-based): chr22:20,996,719, A>G. VCF-style: chr22-20996719-A-G. GRCh37 (hg19) VCF-style: chr22-21351008-A-G.
Other names: c.2243A>G (NM_006767.3); short protein forms Y748C.
Identifiers: ClinVar variation 2875961 (VCV002875961.4), dbSNP rs749640575, ClinGen allele CA410780771.